The following is an entry in ClinVar:

ClinVar aggregate classification (germline): Uncertain significance (1 of 4 stars; one submission).

Allele frequency attached by ClinVar (database versions not stated): gnomAD exomes below 0.00001.
gnomAD v4.1: 1 of 1,233,564 alleles (0.000081%); highest among the groups gnomAD compares: Non-Finnish European, 0.0001%; no homozygotes.

Submission:

Labcorp Genetics (formerly Invitae), Labcorp
Classification: Uncertain significance. Last evaluated: 2022-10-08. Review status: criteria provided, single submitter. Criteria: Invitae Variant Classification Sherloc (09022015). Collection method: clinical testing. Allele origin: germline.
Comment: In summary, the available evidence is currently insufficient to determine the role of this variant in disease. Therefore, it has been classified as a Variant of Uncertain Significance. Advanced modeling of protein sequence and biophysical properties (such as structural, functional, and spatial information, amino acid conservation, physicochemical variation, residue mobility, and thermodynamic stability) has been performed at Invitae for this missense variant, however the output from this modeling did not meet the statistical confidence thresholds required to predict the impact of this variant on DEAF1 protein function. This variant has not been reported in the literature in individuals affected with DEAF1-related conditions. This variant is not present in population databases (gnomAD no frequency). This sequence change replaces alanine, which is neutral and non-polar, with valine, which is neutral and non-polar, at codon 32 of the DEAF1 protein (p.Ala32Val).

NM_021008.4(DEAF1):c.95C>T (p.Ala32Val)

Gene: DEAF1 (DEAF1 transcription factor; minus strand). Cytogenetic location: 11p15.5.
Variant type: single nucleotide variant.
Coding change: c.95C>T on transcript NM_021008.4 (MANE Select); coding-DNA position 95, C replaced by T.
Protein change: p.Ala32Val; replaces alanine 32 with valine.
Molecular consequence: missense variant. On other transcripts: intron variant (1).
Genome position (GRCh38, 1-based): chr11:694,953, G>A on the plus strand (C>T on the coding strand, the complement: DEAF1 is on the minus strand). VCF-style: chr11-694953-G-A. GRCh37 (hg19) VCF-style: chr11-694953-G-A.
Other names: c.95C>T, p.Ala32Val (NM_001293634.2); c.-437-3355C>T (NM_001367390.1); short protein forms A32V.
Identifiers: ClinVar variation 2124350 (VCV002124350.4), dbSNP rs2494506347, ClinGen allele CA378940170.